The following is an entry in ClinVar:

ClinVar aggregate classification (germline): Uncertain significance (1 of 4 stars; one submission).

Conditions:
Methylmalonic aciduria and homocystinuria type cblF. Also called: COBALAMIN F DISEASE; COBALAMIN, DEFECT IN LYSOSOMAL RELEASE OF; METHYLMALONIC ACIDEMIA AND HOMOCYSTINURIA, cblF TYPE; METHYLMALONIC ACIDURIA DUE TO VITAMIN B12-RELEASE DEFECT; VITAMIN B12 LYSOSOMAL RELEASE DEFECT; VITAMIN B12 STORAGE DISEASE. Identifiers: Orphanet 79284, MedGen C1848578, MONDO:0010183, OMIM 277380.

Allele frequency attached by ClinVar (database versions not stated): gnomAD 0.00002; ExAC 0.00003; TOPMed 0.00003.
gnomAD v4.1: 35 of 1,612,704 alleles (0.0022%); highest among the groups gnomAD compares: East Asian, 0.0067%; no homozygotes.

Submission:

Labcorp Genetics (formerly Invitae), Labcorp
Classification: Uncertain significance for Methylmalonic aciduria and homocystinuria type cblF. Last evaluated: 2022-10-18. Review status: criteria provided, single submitter. Criteria: Invitae Variant Classification Sherloc (09022015). Collection method: clinical testing. Allele origin: germline.
Comment: This sequence change replaces arginine, which is basic and polar, with tryptophan, which is neutral and slightly polar, at codon 479 of the LMBRD1 protein (p.Arg479Trp). This variant is present in population databases (rs765553354, gnomAD 0.007%). This variant has not been reported in the literature in individuals affected with LMBRD1-related conditions. Advanced modeling of protein sequence and biophysical properties (such as structural, functional, and spatial information, amino acid conservation, physicochemical variation, residue mobility, and thermodynamic stability) performed at Invitae indicates that this missense variant is expected to disrupt LMBRD1 protein function. In summary, the available evidence is currently insufficient to determine the role of this variant in disease. Therefore, it has been classified as a Variant of Uncertain Significance.

NM_018368.4(LMBRD1):c.1435C>T (p.Arg479Trp)

Gene: LMBRD1 (LMBR1 domain containing 1; minus strand). Cytogenetic location: 6q13.
Variant type: single nucleotide variant.
Coding change: c.1435C>T on transcript NM_018368.4 (MANE Select); coding-DNA position 1435, C replaced by T.
Protein change: p.Arg479Trp; replaces arginine 479 with tryptophan.
Molecular consequence: missense variant.
Genome position (GRCh38, 1-based): chr6:69,676,524, G>A on the plus strand (C>T on the coding strand, the complement: LMBRD1 is on the minus strand). VCF-style: chr6-69676524-G-A. GRCh37 (hg19) VCF-style: chr6-70386416-G-A.
Other names: c.1216C>T, p.Arg406Trp (NM_001363722.2, NM_001367271.1, NM_001367272.1); short protein forms R406W, R479W.
Identifiers: ClinVar variation 1973264 (VCV001973264.2), dbSNP rs765553354, ClinGen allele CA3879553.
Genomic context (GRCh38, chr6:69,676,524, plus strand): 5'-AGTTACCAAAATAGTAAGCAGCACTGAAGAACCAGAACTTGTGAAGGAATAGGTATGTCC[G>A]GGTAACAGTACACTGATCTGTGAAAGCAAATAAAAGACTATGGTGAGATAGGTTCTTTCA-3'
Protein context (NP_060838.3, residues 469-489): DAPEDQCTVT[Arg479Trp]TYLFLHKFWF